The following is an entry in ClinVar:

NM_005445.4(SMC3):c.2347A>C (p.Thr783Pro)

Gene: SMC3 (structural maintenance of chromosomes 3; plus strand). Cytogenetic location: 10q25.2.
Variant type: single nucleotide variant.
Coding change: c.2347A>C on transcript NM_005445.4 (MANE Select); coding-DNA position 2347, A replaced by C.
Protein change: p.Thr783Pro; replaces threonine 783 with proline.
Molecular consequence: missense variant.
Genome position (GRCh38, 1-based): chr10:110,599,732, A>C. VCF-style: chr10-110599732-A-C. GRCh37 (hg19) VCF-style: chr10-112359490-A-C.
Other names: short protein forms T783P.
Identifiers: ClinVar variation 2759256 (VCV002759256.3), dbSNP rs2493143956, ClinGen allele CA378392638.

ClinVar aggregate classification (germline): Likely pathogenic (1 of 4 stars; one submission).

Conditions:
Cornelia de Lange syndrome 3 (CDLS3). Also called: SMC3-Related Cornelia de Lange Syndrome; CORNELIA DE LANGE SYNDROME 3 WITH OR WITHOUT MIDLINE BRAIN DEFECTS. Identifiers: Orphanet 199, MedGen C1853099, MONDO:0012555, OMIM 610759.

Submission:

Labcorp Genetics (formerly Invitae), Labcorp
Classification: Likely pathogenic for Cornelia de Lange syndrome 3. Last evaluated: 2023-12-04. Review status: criteria provided, single submitter. Criteria: Invitae Variant Classification Sherloc (09022015). Collection method: clinical testing. Allele origin: germline.
Comment: This sequence change replaces threonine, which is neutral and polar, with proline, which is neutral and non-polar, at codon 783 of the SMC3 protein (p.Thr783Pro). This variant is not present in population databases (gnomAD no frequency). This missense change has been observed in individual(s) with clinical features of Cornelia de Lange syndrome (Invitae). In at least one individual the variant was observed to be de novo. Advanced modeling of protein sequence and biophysical properties (such as structural, functional, and spatial information, amino acid conservation, physicochemical variation, residue mobility, and thermodynamic stability) has been performed at Invitae for this missense variant, however the output from this modeling did not meet the statistical confidence thresholds required to predict the impact of this variant on SMC3 protein function. In summary, the currently available evidence indicates that the variant is pathogenic, but additional data are needed to prove that conclusively. Therefore, this variant has been classified as Likely Pathogenic.